The following is an entry in ClinVar:

ClinVar aggregate classification (germline): Conflicting classifications of pathogenicity. Review status: criteria provided, conflicting classifications (1 of 4 stars). 4 submissions from 4 submitters: Uncertain significance (3); Likely benign (1). Last evaluated 2021-10-01.

Conditions:
Autosomal recessive limb-girdle muscular dystrophy type 2J (LGMDR10). Also called: MUSCULAR DYSTROPHY, LIMB-GIRDLE, AUTOSOMAL RECESSIVE 10; Limb-girdle muscular dystrophy, type 2J. Identifiers: Orphanet 140922, MedGen C1837342, MONDO:0012127, OMIM 608807.
Dilated cardiomyopathy 1G (CMD1G). Identifiers: Orphanet 154, MedGen C1858763, MONDO:0011400, OMIM 604145.
Myopathy, myofibrillar, 9, with early respiratory failure (MFM9). Also called: Hereditary myopathy with early respiratory failure; EDSTROM MYOPATHY; MYOPATHY, PROXIMAL, WITH EARLY RESPIRATORY MUSCLE INVOLVEMENT; Myopathy, distal, with early respiratory failure, autosomal dominant. Identifiers: Orphanet 178464, Orphanet 34521, MedGen C1863599, MONDO:0011362, OMIM 603689.
Hypertrophic cardiomyopathy 9. Also called: Familial hypertrophic cardiomyopathy 9. Identifiers: MedGen C1861065, MONDO:0013412, OMIM 613765.
Early-onset myopathy with fatal cardiomyopathy (CMYO5). Also called: CONGENITAL MYOPATHY 5 WITH CARDIOMYOPATHY; Salih Myopathy. Identifiers: Orphanet 289377, MedGen C2673677, MONDO:0012714, OMIM 611705. Disease mechanism: loss of function.
Tibial muscular dystrophy (TMD). Also called: UDD MYOPATHY; Tibial muscular dystrophy, tardive; Udd Distal Myopathy – Tibial Muscular Dystrophy. Identifiers: Orphanet 609, MedGen C1838244, MONDO:0010870, OMIM 600334.

Allele frequency attached by ClinVar (database versions not stated): gnomAD exomes below 0.00001.
gnomAD v4.1: 5 of 1,613,820 alleles (0.00031%); highest among the groups gnomAD compares: East Asian, 0.0067%; no homozygotes.

Submissions (4):

GeneDx
Classification: Uncertain significance. Last evaluated: 2021-10-01. Review status: criteria provided, single submitter. Criteria: GeneDx Variant Classification Process June 2021. Collection method: clinical testing. Allele origin: germline. Affected: yes.
Comment: Not observed at significant frequency in large population cohorts (Lek et al., 2016); Missense variant in a gene in which most reported pathogenic variants are truncating/loss-of-function; Has not been previously published as pathogenic or benign to our knowledge; This variant is associated with the following publications: (PMID: 26582918)

Fulgent Genetics
Classification: Uncertain significance for Tibial muscular dystrophy; Myopathy, myofibrillar, 9, with early respiratory failure; Dilated cardiomyopathy 1G; Autosomal recessive limb-girdle muscular dystrophy type 2J; Early-onset myopathy with fatal cardiomyopathy; Hypertrophic cardiomyopathy 9. Last evaluated: 2021-08-09. Review status: criteria provided, single submitter. Criteria: ACMG Guidelines, 2015. Collection method: clinical testing. Allele origin: unknown.

Blueprint Genetics
Classification: Likely benign. Last evaluated: 2017-07-07. Review status: criteria provided, single submitter. Criteria: ACMG Guidelines, 2015. Collection method: clinical testing. Allele origin: germline.

Labcorp Genetics (formerly Invitae), Labcorp
Classification: Uncertain significance for Dilated cardiomyopathy 1G; Autosomal recessive limb-girdle muscular dystrophy type 2J. Last evaluated: 2017-02-06. Review status: criteria provided, single submitter. Criteria: Invitae Variant Classification Sherloc (09022015). Collection method: clinical testing. Allele origin: germline.

NM_001267550.2(TTN):c.17357G>T (p.Ser5786Ile)

Genes: TTN (titin; minus strand), LOC126806431 (CDK7 strongly-dependent group 2 enhancer GRCh37_chr2:179595719-179596918; plus strand). Cytogenetic location: 2q31.2.
Variant type: single nucleotide variant.
Coding change: c.17357G>T on transcript NM_001267550.2 (MANE Select); coding-DNA position 17357, G replaced by T.
Protein change: p.Ser5786Ile; replaces serine 5786 with isoleucine.
Molecular consequence: missense variant. On other transcripts: intron variant (3).
Genome position (GRCh38, 1-based): chr2:178,731,409, C>A on the plus strand (G>T on the coding strand, the complement: TTN is on the minus strand). VCF-style: chr2-178731409-C-A. GRCh37 (hg19) VCF-style: chr2-179596136-C-A.
Other names: c.16406G>T, p.Ser5469Ile (NM_001256850.1); c.13625G>T, p.Ser4542Ile (NM_133378.4); c.13282+6673G>T (NM_003319.4); c.13858+6673G>T (NM_133437.4); c.13657+6673G>T (NM_133432.3); short protein forms S5786I, S5469I, S4542I.
Identifiers: ClinVar variation 466852 (VCV000466852.7), dbSNP rs1553924253, ClinGen allele CA349573443.